The following is an entry in ClinVar:

NM_001040142.2(SCN2A):c.3682G>A (p.Glu1228Lys)

Gene: SCN2A (sodium voltage-gated channel alpha subunit 2; plus strand). Cytogenetic location: 2q24.3.
Variant type: single nucleotide variant.
Coding change: c.3682G>A on transcript NM_001040142.2 (MANE Select); coding-DNA position 3682, G replaced by A.
Protein change: p.Glu1228Lys; replaces glutamic acid 1228 with lysine.
Molecular consequence: missense variant.
Genome position (GRCh38, 1-based): chr2:165,370,132, G>A. VCF-style: chr2-165370132-G-A. GRCh37 (hg19) VCF-style: chr2-166226642-G-A.
Other names: c.3682G>A, p.Glu1228Lys (NM_001040143.2, NM_001371246.1, NM_001371247.1 and 1 more transcripts); short protein forms E1228K.
Identifiers: ClinVar variation 1702747 (VCV001702747.2), dbSNP rs1553591718, ClinGen allele CA349027468.
Genomic context (GRCh38, chr2:165,370,132, plus strand): 5'-TCAATTAGAGACTGTTTCTGATCATAAAATTTAATAGAATTTTTTGACTTACAGGCCTTT[G>A]AAGATATATACATTGAGCAGCGAAAAACCATTAAGACCATGTTAGAATATGCTGACAAGG-3'
Protein context (NP_001035232.1, residues 1218-1238): ILLSSGALAF[Glu1228Lys]DIYIEQRKTI

ClinVar aggregate classification (germline): Uncertain significance (1 of 4 stars; one submission).

Submission:

GeneDx
Classification: Uncertain significance. Last evaluated: 2022-02-16. Review status: criteria provided, single submitter. Criteria: GeneDx Variant Classification Process June 2021. Collection method: clinical testing. Allele origin: germline. Affected: yes.
Comment: Not observed at significant frequency in large population cohorts (gnomAD); Missense variants in this gene are often considered pathogenic (HGMD); In silico analysis supports that this missense variant has a deleterious effect on protein structure/function; This substitution is predicted to be within the extracellular loop between the S1 and S2 transmembrane segments of the third homologous domain; Has not been previously published as pathogenic or benign to our knowledge